The following is an entry in ClinVar:

ClinVar aggregate classification (germline): Uncertain significance (1 of 4 stars; one submission).

Conditions:
Primary ciliary dyskinesia. Also called: Ciliary dyskinesia. Identifiers: Orphanet 244, MedGen C0008780, MONDO:0016575, HP:0012265.

Allele frequency attached by ClinVar (database versions not stated): TOPMed 0.00001.
gnomAD v4.1: 1 of 1,613,508 alleles (0.000062%); highest among the groups gnomAD compares: Non-Finnish European, 0.000085%; no homozygotes.

Submission:

Labcorp Genetics (formerly Invitae), Labcorp
Classification: Uncertain significance for Primary ciliary dyskinesia. Last evaluated: 2021-08-31. Review status: criteria provided, single submitter. Criteria: Invitae Variant Classification Sherloc (09022015). Collection method: clinical testing. Allele origin: germline.
Comment: This sequence change replaces aspartic acid with glutamic acid at codon 306 of the DNAI1 protein (p.Asp306Glu). The aspartic acid residue is weakly conserved and there is a small physicochemical difference between aspartic acid and glutamic acid. This variant is not present in population databases (ExAC no frequency). This variant has not been reported in the literature in individuals affected with DNAI1-related conditions. Algorithms developed to predict the effect of missense changes on protein structure and function output the following: SIFT: "Tolerated"; PolyPhen-2: "Benign"; Align-GVGD: "Class C0". The glutamic acid amino acid residue is found in multiple mammalian species, which suggests that this missense change does not adversely affect protein function. In summary, the available evidence is currently insufficient to determine the role of this variant in disease. Therefore, it has been classified as a Variant of Uncertain Significance.

NM_012144.4(DNAI1):c.918C>G (p.Asp306Glu)

Gene: DNAI1 (dynein axonemal intermediate chain 1; plus strand). Cytogenetic location: 9p13.3.
Variant type: single nucleotide variant.
Coding change: c.918C>G on transcript NM_012144.4 (MANE Select); coding-DNA position 918, C replaced by G.
Protein change: p.Asp306Glu; replaces aspartic acid 306 with glutamic acid.
Molecular consequence: missense variant.
Genome position (GRCh38, 1-based): chr9:34,500,738, C>G. VCF-style: chr9-34500738-C-G. GRCh37 (hg19) VCF-style: chr9-34500736-C-G.
Other names: c.930C>G, p.Asp310Glu (NM_001281428.2); short protein forms D306E, D310E.
Identifiers: ClinVar variation 454839 (VCV000454839.6), dbSNP rs772207177, ClinGen allele CA373253089.